The following is an entry in ClinVar:

NM_172364.5(CACNA2D4):c.1244T>C (p.Phe415Ser)

Gene: CACNA2D4 (calcium voltage-gated channel auxiliary subunit alpha2delta 4; minus strand). Cytogenetic location: 12p13.33.
Variant type: single nucleotide variant.
Coding change: c.1244T>C on transcript NM_172364.5 (MANE Select); coding-DNA position 1244, T replaced by C.
Protein change: p.Phe415Ser; replaces phenylalanine 415 with serine.
Molecular consequence: missense variant.
Genome position (GRCh38, 1-based): chr12:1,884,796, A>G on the plus strand (T>C on the coding strand, the complement: CACNA2D4 is on the minus strand). VCF-style: chr12-1884796-A-G. GRCh37 (hg19) VCF-style: chr12-1993962-A-G.
Other names: short protein forms F415S.
Identifiers: ClinVar variation 1941670 (VCV001941670.5), dbSNP rs1375190302, ClinGen allele CA383358197.

ClinVar aggregate classification (germline): Uncertain significance (1 of 4 stars; one submission).

Allele frequency attached by ClinVar (database versions not stated): gnomAD exomes below 0.00001; gnomAD 0.00001; TOPMed 0.00001.
gnomAD v4.1: 5 of 1,613,488 alleles (0.00031%); highest among the groups gnomAD compares: African/African-American, 0.0013%; no homozygotes.

Submission:

Labcorp Genetics (formerly Invitae), Labcorp
Classification: Uncertain significance. Last evaluated: 2022-09-14. Review status: criteria provided, single submitter. Criteria: Invitae Variant Classification Sherloc (09022015). Collection method: clinical testing. Allele origin: germline.
Comment: In summary, the available evidence is currently insufficient to determine the role of this variant in disease. Therefore, it has been classified as a Variant of Uncertain Significance. Algorithms developed to predict the effect of missense changes on protein structure and function (SIFT, PolyPhen-2, Align-GVGD) all suggest that this variant is likely to be disruptive. This variant has not been reported in the literature in individuals affected with CACNA2D4-related conditions. This variant is present in population databases (no rsID available, gnomAD 0.007%). This sequence change replaces phenylalanine, which is neutral and non-polar, with serine, which is neutral and polar, at codon 415 of the CACNA2D4 protein (p.Phe415Ser).